The following is an entry in ClinVar:

ClinVar aggregate classification (germline): Uncertain significance (1 of 4 stars; one submission).

Conditions:
Tuberous sclerosis 2 (TSC2). Identifiers: Orphanet 805, MedGen C1860707, MONDO:0013199, OMIM 613254.

Submission:

Labcorp Genetics (formerly Invitae), Labcorp
Classification: Uncertain significance for Tuberous sclerosis 2. Last evaluated: 2024-09-23. Review status: criteria provided, single submitter. Criteria: Invitae Variant Classification Sherloc (09022015). Collection method: clinical testing. Allele origin: germline.
Comment: This sequence change replaces phenylalanine, which is neutral and non-polar, with leucine, which is neutral and non-polar, at codon 1606 of the TSC2 protein (p.Phe1606Leu). This variant is not present in population databases (gnomAD no frequency). This variant has not been reported in the literature in individuals affected with TSC2-related conditions. Invitae Evidence Modeling of protein sequence and biophysical properties (such as structural, functional, and spatial information, amino acid conservation, physicochemical variation, residue mobility, and thermodynamic stability) has been performed for this missense variant. However, the output from this modeling did not meet the statistical confidence thresholds required to predict the impact of this variant on TSC2 protein function. In summary, the available evidence is currently insufficient to determine the role of this variant in disease. Therefore, it has been classified as a Variant of Uncertain Significance.

NM_000548.5(TSC2):c.4818C>A (p.Phe1606Leu)

Gene: TSC2 (TSC complex subunit 2; plus strand). Cytogenetic location: 16p13.3.
Variant type: single nucleotide variant.
Coding change: c.4818C>A on transcript NM_000548.5 (MANE Select); coding-DNA position 4818, C replaced by A.
Protein change: p.Phe1606Leu; replaces phenylalanine 1606 with leucine.
Molecular consequence: missense variant. On other transcripts: non-coding transcript variant (5).
Genome position (GRCh38, 1-based): chr16:2,086,348, C>A. VCF-style: chr16-2086348-C-A. GRCh37 (hg19) VCF-style: chr16-2136349-C-A.
Other names: c.4617C>A, p.Phe1539Leu (NM_001077183.3); c.4749C>A, p.Phe1583Leu (NM_001114382.3); c.4509C>A, p.Phe1503Leu (NM_001318827.2); c.4473C>A, p.Phe1491Leu (NM_001318829.2); c.4638C>A, p.Phe1546Leu (NM_001406670.1); c.4608C>A, p.Phe1536Leu (NM_001406671.1); c.4605C>A, p.Phe1535Leu (NM_001406673.1); c.4602C>A, p.Phe1534Leu (NM_001406675.1); and 26 more; short protein forms F1091L, F1092L, F1135L, F1340L, F1362L, F1503L, F1533L, F1535L.
Identifiers: ClinVar variation 3695795 (VCV003695795.2).